The following is an entry in ClinVar:

ClinVar aggregate classification (germline): Conflicting classifications of pathogenicity. Review status: criteria provided, conflicting classifications (1 of 4 stars). 2 submissions from 2 submitters: Likely pathogenic (1); Uncertain significance (1). Last evaluated 2026-08-06.

Submissions (2):

OLLIN Analises Genomicas, OLLIN
Classification: Likely pathogenic. Last evaluated: 2026-08-06. Review status: criteria provided, single submitter. Criteria: ACMG Guidelines 2015 PMID 25741868. Collection method: clinical testing. Allele origin: germline.
Comment: This frameshift variant, located in exon 22 (of 25), has been reported in ClinVar (accession VCV001497257.6) and in gnomAD with an allele frequency of 0.00013%. However, to our knowledge, it has not been reported in the scientific literature. This variant causes a frameshift and introduces a premature stop codon, which is predicted to result in either a truncated protein or degradation of the mRNA via nonsense-mediated decay (NMD). According to the currently available evidence, this variant has been classified as likely pathogenic (PVS1, PM2_P).

Labcorp Genetics (formerly Invitae), Labcorp
Classification: Uncertain significance. Last evaluated: 2021-07-26. Review status: criteria provided, single submitter. Criteria: Invitae Variant Classification Sherloc (09022015). Collection method: clinical testing. Allele origin: germline.
Comment: In summary, the available evidence is currently insufficient to determine the role of this variant in disease. Therefore, it has been classified as a Variant of Uncertain Significance. This variant has not been reported in the literature in individuals affected with ARMC9-related conditions. The frequency data for this variant in the population databases is considered unreliable, as metrics indicate insufficient coverage at this position in the ExAC database. This sequence change creates a premature translational stop signal (p.Pro703Argfs*49) in the ARMC9 gene. However, it is currently unclear if variants that occur in this region of the gene cause disease.

NM_001352754.2(ARMC9):c.2108del (p.Pro703fs)

Gene: ARMC9 (armadillo repeat containing 9; plus strand). Cytogenetic location: 2q37.1.
Variant type: Deletion.
Coding change: c.2108del on transcript NM_001352754.2 (MANE Select); coding-DNA position 2108, one base deleted (C; older notation c.2108delC).
Protein change: p.Pro703fs; shifts the reading frame from proline 703.
Molecular consequence: frameshift variant.
Genome position (GRCh38, 1-based): chr2:231,355,911, C deleted; the last of 4 consecutive C bases (chr2:231,355,908-231,355,911); deleting any one gives the same sequence. VCF-style (leftmost placement, unchanged base first): chr2-231355907-AC-A. GRCh37 (hg19) VCF-style: chr2-232220619-AC-A.
Other names: c.2108del, p.Pro703fs (NM_001271466.4); short protein forms P703fs.
Identifiers: ClinVar variation 1497257 (VCV001497257.7), dbSNP rs1188376261, ClinGen allele CA766054655.